The following is an entry in ClinVar:

NM_003924.4(PHOX2B):c.259A>C (p.Thr87Pro)

Gene: PHOX2B (paired like homeobox 2B; minus strand). Cytogenetic location: 4p13.
Variant type: single nucleotide variant.
Coding change: c.259A>C on transcript NM_003924.4 (MANE Select); coding-DNA position 259, A replaced by C.
Protein change: p.Thr87Pro; replaces threonine 87 with proline.
Molecular consequence: missense variant.
Genome position (GRCh38, 1-based): chr4:41,747,519, T>G on the plus strand (A>C on the coding strand, the complement: PHOX2B is on the minus strand). VCF-style: chr4-41747519-T-G. GRCh37 (hg19) VCF-style: chr4-41749536-T-G.
Other names: short protein forms T87P.
Identifiers: ClinVar variation 1793608 (VCV001793608.2), dbSNP rs1285542918, ClinGen allele CA356740557.

ClinVar aggregate classification (germline): Uncertain significance (1 of 4 stars; one submission).

Conditions:
Hereditary cancer-predisposing syndrome. Also called: Tumor predisposition; Hereditary Cancer Syndrome; Neoplastic Syndromes, Hereditary; Hereditary neoplastic syndrome. Identifiers: Orphanet 140162, MedGen C0027672, MeSH D009386, MONDO:0015356.

Allele frequency attached by ClinVar (database versions not stated): TOPMed below 0.00001; gnomAD 0.00001.
gnomAD v4.1: 1 of 1,607,850 alleles (0.000062%); highest among the groups gnomAD compares: African/African-American, 0.0013%; no homozygotes.

Submission:

Ambry Genetics
Classification: Uncertain significance for Hereditary cancer-predisposing syndrome. Last evaluated: 2017-03-28. Review status: criteria provided, single submitter. Criteria: Ambry Variant Classification Scheme 2023. Collection method: clinical testing. Allele origin: germline.
Comment: The p.T87P variant (also known as c.259A>C), located in coding exon 2 of the PHOX2B gene, results from an A to C substitution at nucleotide position 259. The threonine at codon 87 is replaced by proline, an amino acid with highly similar properties. This amino acid position is highly conserved in available vertebrate species. In addition, the in silico prediction for this alteration is inconclusive. Since supporting evidence is limited at this time, the clinical significance of this alteration remains unclear.